The following is an entry in ClinVar:

ClinVar aggregate classification (germline): Uncertain significance. Review status: criteria provided, multiple submitters, no conflicts (2 of 4 stars). 2 submissions from 2 submitters: Uncertain significance (2). Last evaluated 2025-11-08.

Conditions:
Inborn genetic diseases. Identifiers: MedGen C0950123, MeSH D030342.
Deficiency of phosphoserine phosphatase (PSPHD). Also called: Phosphoserine phosphatase deficiency; PSPH deficiency. Identifiers: Orphanet 79350, MedGen C1291463, MONDO:0013531, OMIM 614023.

Allele frequency attached by ClinVar (database versions not stated): gnomAD exomes 0.00001 and 0.00002; TOPMed 0.00001; ExAC 0.00001.

Submissions (2):

Ambry Genetics
Classification: Uncertain significance for Inborn genetic diseases. Last evaluated: 2025-11-08. Review status: criteria provided, single submitter. Criteria: Ambry Variant Classification Scheme 2023. Collection method: clinical testing. Allele origin: germline.

Labcorp Genetics (formerly Invitae), Labcorp
Classification: Uncertain significance for Deficiency of phosphoserine phosphatase. Last evaluated: 2021-09-21. Review status: criteria provided, single submitter. Criteria: Invitae Variant Classification Sherloc (09022015). Collection method: clinical testing. Allele origin: germline.
Comment: This sequence change replaces tyrosine with cysteine at codon 212 of the PSPH protein (p.Tyr212Cys). The tyrosine residue is highly conserved and there is a large physicochemical difference between tyrosine and cysteine. This variant is present in population databases (rs775832385, ExAC 0.001%). This variant has not been reported in the literature in individuals affected with PSPH-related conditions. Algorithms developed to predict the effect of missense changes on protein structure and function are either unavailable or do not agree on the potential impact of this missense change (SIFT: "Deleterious"; PolyPhen-2: "Probably Damaging"; Align-GVGD: "Class C15"). In summary, the available evidence is currently insufficient to determine the role of this variant in disease. Therefore, it has been classified as a Variant of Uncertain Significance.

NM_004577.4(PSPH):c.635A>G (p.Tyr212Cys)

Gene: PSPH (phosphoserine phosphatase; minus strand). Cytogenetic location: 7p11.2.
Variant type: single nucleotide variant.
Coding change: c.635A>G on transcript NM_004577.4 (MANE Select); coding-DNA position 635, A replaced by G.
Protein change: p.Tyr212Cys; replaces tyrosine 212 with cysteine.
Molecular consequence: missense variant.
Genome position (GRCh38, 1-based): chr7:56,011,805, T>C on the plus strand (A>G on the coding strand, the complement: PSPH is on the minus strand). VCF-style: chr7-56011805-T-C. GRCh37 (hg19) VCF-style: chr7-56079498-T-C.
Other names: c.635A>G (NM_004577.3); c.635A>G, p.Tyr212Cys (NM_001370507.1, NM_001370508.1, NM_001370509.1 and 17 more transcripts); short protein forms Y212C.
Identifiers: ClinVar variation 1446572 (VCV001446572.5), dbSNP rs775832385, ClinGen allele CA4268585.